The following is an entry in ClinVar:

NM_006005.3(WFS1):c.1787A>G (p.Lys596Arg)

Gene: WFS1 (wolframin ER transmembrane glycoprotein; plus strand). Cytogenetic location: 4p16.1.
Variant type: single nucleotide variant.
Coding change: c.1787A>G on transcript NM_006005.3 (MANE Select); coding-DNA position 1787, A replaced by G.
Protein change: p.Lys596Arg; replaces lysine 596 with arginine.
Molecular consequence: missense variant.
Genome position (GRCh38, 1-based): chr4:6,301,582, A>G. VCF-style: chr4-6301582-A-G. GRCh37 (hg19) VCF-style: chr4-6303309-A-G.
Other names: c.1787A>G, p.Lys596Arg (NM_001145853.1); short protein forms K596R.
Identifiers: ClinVar variation 3019373 (VCV003019373.3), dbSNP rs2109126504, ClinGen allele CA356176849.

ClinVar aggregate classification (germline): Uncertain significance (1 of 4 stars; one submission).

Allele frequency attached by ClinVar (database versions not stated): gnomAD exomes below 0.00001.
gnomAD v4.1: 1 of 1,614,138 alleles (0.000062%); highest among the groups gnomAD compares: Non-Finnish European, 0.000085%; no homozygotes.

Submission:

Labcorp Genetics (formerly Invitae), Labcorp
Classification: Uncertain significance. Last evaluated: 2022-10-28. Review status: criteria provided, single submitter. Criteria: Invitae Variant Classification Sherloc (09022015). Collection method: clinical testing. Allele origin: germline.
Comment: In summary, the available evidence is currently insufficient to determine the role of this variant in disease. Therefore, it has been classified as a Variant of Uncertain Significance. Advanced modeling of protein sequence and biophysical properties (such as structural, functional, and spatial information, amino acid conservation, physicochemical variation, residue mobility, and thermodynamic stability) performed at Invitae indicates that this missense variant is not expected to disrupt WFS1 protein function. This variant has not been reported in the literature in individuals affected with WFS1-related conditions. This variant is not present in population databases (gnomAD no frequency). This sequence change replaces lysine, which is basic and polar, with arginine, which is basic and polar, at codon 596 of the WFS1 protein (p.Lys596Arg).